The following is an entry in ClinVar:

ClinVar aggregate classification (germline): Uncertain significance (1 of 4 stars; one submission).

Conditions:
Primary pulmonary hypertension. Also called: Idiopathic pulmonary hypertension. Identifiers: MedGen C0152171.

Submission:

Labcorp Genetics (formerly Invitae), Labcorp
Classification: Uncertain significance for Primary pulmonary hypertension. Last evaluated: 2023-05-22. Review status: criteria provided, single submitter. Criteria: Invitae Variant Classification Sherloc (09022015). Collection method: clinical testing. Allele origin: germline.
Comment: In summary, the available evidence is currently insufficient to determine the role of this variant in disease. Therefore, it has been classified as a Variant of Uncertain Significance. Experimental studies and prediction algorithms are not available or were not evaluated, and the functional significance of this variant is currently unknown. This variant has not been reported in the literature in individuals affected with BMPR2-related conditions. This variant is not present in population databases (gnomAD no frequency). This variant, c.172_174del, results in the deletion of 1 amino acid(s) of the BMPR2 protein (p.Ile58del), but otherwise preserves the integrity of the reading frame.

NM_001204.7(BMPR2):c.172_174del (p.Ile58del)

Gene: BMPR2 (bone morphogenetic protein receptor type 2; plus strand). Cytogenetic location: 2q33.1.
Variant type: Deletion.
Coding change: c.172_174del on transcript NM_001204.7 (MANE Select); coding-DNA positions 172 to 174, 3 bases deleted (ATA; older notation c.172_174delATA).
Protein change: p.Ile58del; deletes isoleucine 58.
Molecular consequence: inframe deletion.
Genome position (GRCh38, 1-based): chr2:202,464,904-202,464,906, ATA deleted; deleting any 3 consecutive bases within chr2:202,464,903-202,464,906 gives the same sequence; the c. name uses the placement nearest the transcript's 3' end. VCF-style (leftmost placement, unchanged base first): chr2-202464902-CAAT-C. GRCh37 (hg19) VCF-style: chr2-203329625-CAAT-C.
Other names: short protein forms I58del.
Identifiers: ClinVar variation 2866852 (VCV002866852.3), dbSNP rs2469638936, ClinGen allele CA2739279831.